The following is an entry in ClinVar:

ClinVar aggregate classification (germline): Uncertain significance. Review status: criteria provided, multiple submitters, no conflicts (2 of 4 stars). 2 submissions from 2 submitters: Uncertain significance (2). Last evaluated 2026-08-18.

Conditions:
ACAN-related disorder. Also called: ACAN-related disorders; ACAN-related condition.
Inborn genetic diseases. Identifiers: MedGen C0950123, MeSH D030342.

Submissions (2):

PreventionGenetics, part of Exact Sciences
Classification: Uncertain significance for ACAN-related condition. Last evaluated: 2026-08-18. Review status: criteria provided, single submitter. Criteria: ACMG Guidelines, 2015. Collection method: clinical testing. Allele origin: germline.
Comment: The ACAN c.5624G>A variant is predicted to result in the amino acid substitution p.Ser1875Asn. To our knowledge, this variant has not been reported in the literature. This variant is reported in one out of ~249,100 alleles in gnomAD. At this time, the clinical significance of this variant is uncertain due to the absence of conclusive functional and genetic evidence.

Ambry Genetics
Classification: Uncertain significance for Inborn genetic diseases. Last evaluated: 2024-03-25. Review status: criteria provided, single submitter. Criteria: Ambry Variant Classification Scheme 2023. Collection method: clinical testing. Allele origin: germline.

NM_001369268.1(ACAN):c.5624G>A (p.Ser1875Asn)

Gene: ACAN (aggrecan; plus strand). Cytogenetic location: 15q26.1.
Variant type: single nucleotide variant.
Coding change: c.5624G>A on transcript NM_001369268.1 (MANE Select); coding-DNA position 5624, G replaced by A.
Protein change: p.Ser1875Asn; replaces serine 1875 with asparagine.
Molecular consequence: missense variant.
Genome position (GRCh38, 1-based): chr15:88,858,209, G>A. VCF-style: chr15-88858209-G-A. GRCh37 (hg19) VCF-style: chr15-89401440-G-A.
Other names: c.5624G>A, p.Ser1875Asn (NM_001135.4, NM_001411096.1, NM_001411097.1 and 1 more transcripts); short protein forms S1875N.
Identifiers: ClinVar variation 3260988 (VCV003260988.2).